The following is an entry in ClinVar:

NM_001194.4(HCN2):c.1266G>T (p.Met422Ile)

Gene: HCN2 (hyperpolarization activated cyclic nucleotide gated potassium and sodium channel 2; plus strand). Cytogenetic location: 19p13.3.
Variant type: single nucleotide variant.
Coding change: c.1266G>T on transcript NM_001194.4 (MANE Select); coding-DNA position 1266, G replaced by T.
Protein change: p.Met422Ile; replaces methionine 422 with isoleucine.
Molecular consequence: missense variant.
Genome position (GRCh38, 1-based): chr19:608,011, G>T. VCF-style: chr19-608011-G-T. GRCh37 (hg19) VCF-style: chr19-608011-G-T.
Other names: short protein forms M422I.
Identifiers: ClinVar variation 4755925 (VCV004755925.1).

ClinVar aggregate classification (germline): Uncertain significance (1 of 4 stars; one submission).

gnomAD v4.1: 2 of 1,613,018 alleles (0.00012%); highest among the groups gnomAD compares: South Asian, 0.0022%; no homozygotes.

Submission:

GeneDx
Classification: Uncertain significance. Last evaluated: 2025-08-07. Review status: criteria provided, single submitter. Criteria: GeneDx Variant Classification Process June 2021. Collection method: clinical testing. Allele origin: germline. Affected: yes.
Comment: Not observed at significant frequency in large population cohorts (gnomAD); In silico analysis supports that this missense variant has a deleterious effect on protein structure/function; Has not been previously published as pathogenic or benign to our knowledge